The following is an entry in ClinVar:

NM_015274.3(MAN2B2):c.1395G>A (p.Ala465=)

Gene: MAN2B2 (mannosidase alpha class 2B member 2; plus strand). Cytogenetic location: 4p16.1.
Variant type: single nucleotide variant.
Coding change: c.1395G>A on transcript NM_015274.3 (MANE Select); coding-DNA position 1395, G replaced by A.
Protein change: p.Ala465=; no amino-acid change (alanine 465 retained).
Molecular consequence: synonymous variant.
Genome position (GRCh38, 1-based): chr4:6,598,344, G>A. VCF-style: chr4-6598344-G-A. GRCh37 (hg19) VCF-style: chr4-6600071-G-A.
Other names: c.1242G>A, p.Ala414= (NM_001292038.2).
Identifiers: ClinVar variation 5040970 (VCV005040970.1).

ClinVar aggregate classification (germline): Likely benign (1 of 4 stars; one submission).

gnomAD v4.1: 22 of 1,611,916 alleles (0.0014%); highest among the groups gnomAD compares: African/African-American, 0.0053%; no homozygotes.

Submission:

CeGaT Center for Human Genetics Tuebingen
Classification: Likely benign. Last evaluated: 2026-10-01. Review status: criteria provided, single submitter. Criteria: CeGaT Center For Human Genetics Tuebingen Variant Classification Criteria Version 2. Collection method: clinical testing. Allele origin: germline. Affected: yes. Observed: 1 variant allele.
Comment: MAN2B2: BP4, BP7